The following is an entry in ClinVar:

ClinVar aggregate classification (germline): Likely pathogenic (1 of 4 stars; one submission).

Conditions:
Bardet-Biedl syndrome 1 (BBS1). Identifiers: MedGen C2936862, MONDO:0008854, OMIM 209900. Disease mechanism: loss of function.

Submission:

Myriad Genetics, Inc.
Classification: Likely pathogenic for Bardet-Biedl syndrome 1. Last evaluated: 2019-10-23. Review status: criteria provided, single submitter. Criteria: Myriad Women's Health Autosomal Recessive and X-Linked Classification Criteria (2019). Collection method: clinical testing. Allele origin: unknown.
Comment: NM_024649.4(BBS1):c.700G>T(E234*) is expected to be pathogenic in the context of Bardet-Biedl syndrome, BBS1-related. This variant is predicted to lead to an abnormal or absent protein product due to the creation of a premature termination codon in BBS1, a gene where loss-of-function variants are known to be pathogenic. Please note: this variant was assessed in the context of healthy population screening.

NM_024649.5(BBS1):c.700G>T (p.Glu234Ter)

Gene: BBS1 (Bardet-Biedl syndrome 1; plus strand). Cytogenetic location: 11q13.2.
Variant type: single nucleotide variant.
Coding change: c.700G>T on transcript NM_024649.5 (MANE Select); coding-DNA position 700, G replaced by T.
Protein change: p.Glu234Ter; replaces glutamic acid 234 with a stop codon.
Molecular consequence: nonsense.
Genome position (GRCh38, 1-based): chr11:66,519,725, G>T. VCF-style: chr11-66519725-G-T. GRCh37 (hg19) VCF-style: chr11-66287196-G-T.
Other names: short protein forms E234*.
Identifiers: ClinVar variation 983833 (VCV000983833.3), dbSNP rs35520756, ClinGen allele CA381458968.